The following is an entry in ClinVar:

NM_004706.4(ARHGEF1):c.394G>A (p.Glu132Lys)

Gene: ARHGEF1 (Rho guanine nucleotide exchange factor 1; plus strand). Cytogenetic location: 19q13.2.
Variant type: single nucleotide variant.
Coding change: c.394G>A on transcript NM_004706.4 (MANE Select); coding-DNA position 394, G replaced by A.
Protein change: p.Glu132Lys; replaces glutamic acid 132 with lysine.
Molecular consequence: missense variant. On other transcripts: non-coding transcript variant (2).
Genome position (GRCh38, 1-based): chr19:41,892,629, G>A. VCF-style: chr19-41892629-G-A. GRCh37 (hg19) VCF-style: chr19-42396700-G-A.
Other names: c.394G>A, p.Glu132Lys (NM_001396000.1, NM_001396003.1, NM_001396006.1); c.295G>A, p.Glu99Lys (NM_001396002.1, NM_001396004.1, NM_198977.2); c.439G>A, p.Glu147Lys (NM_199002.2); short protein forms E132K, E147K, E99K.
Identifiers: ClinVar variation 4717284 (VCV004717284.1).

ClinVar aggregate classification (germline): Uncertain significance (1 of 4 stars; one submission).

gnomAD v4.1: 1 of 1,610,650 alleles (0.000062%); highest among the groups gnomAD compares: South Asian, 0.0011%; no homozygotes.

Submission:

Labcorp Genetics (formerly Invitae), Labcorp
Classification: Uncertain significance. Last evaluated: 2025-04-11. Review status: criteria provided, single submitter. Criteria: Invitae Variant Classification Sherloc (09022015). Collection method: clinical testing. Allele origin: germline.
Comment: This sequence change replaces glutamic acid, which is acidic and polar, with lysine, which is basic and polar, at codon 147 of the ARHGEF1 protein (p.Glu147Lys). This variant is present in population databases (rs782168958, gnomAD 0.003%). This variant has not been reported in the literature in individuals affected with ARHGEF1-related conditions. An algorithm developed to predict the effect of missense changes on protein structure and function (PolyPhen-2) suggests that this variant is likely to be disruptive. In summary, the available evidence is currently insufficient to determine the role of this variant in disease. Therefore, it has been classified as a Variant of Uncertain Significance.